The following is an entry in ClinVar:

NM_015001.3(SPEN):c.4828C>T (p.Gln1610Ter)

Gene: SPEN (spen family transcriptional repressor; plus strand). Cytogenetic location: 1p36.13.
Variant type: single nucleotide variant.
Coding change: c.4828C>T on transcript NM_015001.3 (MANE Select); coding-DNA position 4828, C replaced by T.
Protein change: p.Gln1610Ter; replaces glutamine 1610 with a stop codon.
Molecular consequence: nonsense.
Genome position (GRCh38, 1-based): chr1:15,931,068, C>T. VCF-style: chr1-15931068-C-T. GRCh37 (hg19) VCF-style: chr1-16257563-C-T.
Other names: short protein forms Q1610*.
Identifiers: ClinVar variation 1708238 (VCV001708238.2), dbSNP rs2523081142, ClinGen allele CA338617777.
Genomic context (GRCh38, chr1:15,931,068, plus strand): 5'-CTCACACGGATGCAACAGAAAGAAAAAGAAAAAGACCAGAAACCCAAAGAGGTTGAGAAA[C>T]AGGAAGATACAGAGAATCATCCCAAGACCCCAGAATCTGCTCCTGAGAATAAAGATTCAG-3'

ClinVar aggregate classification (germline): Pathogenic (1 of 4 stars; one submission).

Conditions:
Radio-Tartaglia syndrome. Identifiers: Orphanet 662234, MedGen C5543339, MONDO:0859143, OMIM 619312.

Submission:

Genetics Laboratory, UDIAT-Centre Diagnòstic, Hospital Universitari Parc Tauli
Classification: Pathogenic for Radio-Tartaglia syndrome. Last evaluated: 2022-10-04. Review status: criteria provided, single submitter. Criteria: Parc Tauli Hospital Assertion Criteria 2021. Collection method: clinical testing. Allele origin: de novo. Inheritance: Autosomal dominant inheritance. Affected: yes.
Comment: PVS1;PM2_supporting;PM6